The following is an entry in ClinVar:

NM_005592.4(MUSK):c.1626del (p.Glu542fs)

Gene: MUSK (muscle associated receptor tyrosine kinase; plus strand). Cytogenetic location: 9q31.3.
Variant type: Deletion.
Coding change: c.1626del on transcript NM_005592.4 (MANE Select); coding-DNA position 1626, one base deleted (G; older notation c.1626delG).
Protein change: p.Glu542fs; shifts the reading frame from glutamic acid 542.
Molecular consequence: frameshift variant.
Genome position (GRCh38, 1-based): chr9:110,785,566, G deleted. VCF-style (leftmost placement, unchanged base first): chr9-110785565-AG-A. GRCh37 (hg19) VCF-style: chr9-113547845-AG-A.
Other names: c.1368del, p.Glu456fs (NM_001166280.2); c.1338del, p.Glu446fs (NM_001166281.2); c.366del, p.Glu122fs (NM_001369398.1); short protein forms E122fs, E456fs, E542fs, E446fs.
Identifiers: ClinVar variation 963084 (VCV000963084.8), dbSNP rs2077841802, ClinGen allele CA1139661121.
Genomic context (GRCh38, chr9:110,785,565, plus strand): 5'-ATCTTGCCTGTCTTGCCTGCAGAGAATCAGCAGCAGTAACCCTCACCACACTGCCTTCTG[AG>A]CTCTTACTAGATAGACTTCATCCCAACCCCATGTACCAGAGGATGCCGCTCCTTCTGAAC-3'

ClinVar aggregate classification (germline): Pathogenic (1 of 4 stars; one submission).

Conditions:
Fetal akinesia deformation sequence 1 (FADS1). Also called: Fetal akinesia sequence; Pena-Shokeir syndrome type I. Identifiers: Orphanet 994, MedGen C1276035, MONDO:0100101, OMIM 208150, HP:0001989.
Congenital myasthenic syndrome 9. Also called: Myasthenic syndrome, congenital, 9, associated with acetylcholine receptor deficiency. Identifiers: Orphanet 590, MedGen C4225368, MONDO:0014587, OMIM 616325.

Allele frequency attached by ClinVar (database versions not stated): gnomAD exomes below 0.00001.

Submission:

Labcorp Genetics (formerly Invitae), Labcorp
Classification: Pathogenic for Congenital myasthenic syndrome 9; Fetal akinesia deformation sequence 1. Last evaluated: 2024-09-11. Review status: criteria provided, single submitter. Criteria: Invitae Variant Classification Sherloc (09022015). Collection method: clinical testing. Allele origin: germline.
Comment: This sequence change creates a premature translational stop signal (p.Glu542Aspfs*4) in the MUSK gene. It is expected to result in an absent or disrupted protein product. Loss-of-function variants in MUSK are known to be pathogenic (PMID: 8653786, 25612909, 25695962, 25900532). This variant is not present in population databases (gnomAD no frequency). This variant has not been reported in the literature in individuals affected with MUSK-related conditions. ClinVar contains an entry for this variant (Variation ID: 963084). Algorithms developed to predict the effect of sequence changes on RNA splicing suggest that this variant may disrupt the consensus splice site. For these reasons, this variant has been classified as Pathogenic.

Literature cited by the submitters: PubMed 8653786; PubMed 25612909; PubMed 25695962; PubMed 25900532.